The following is an entry in ClinVar:

ClinVar aggregate classification (germline): Pathogenic. Review status: criteria provided, multiple submitters, no conflicts (2 of 4 stars). 7 submissions from 7 submitters: Pathogenic (6). 1 of the submissions does not count toward it. Last evaluated 2025-05-18.

Conditions:
Hereditary cancer-predisposing syndrome. Also called: Hereditary neoplastic syndrome; Hereditary Cancer Syndrome; Neoplastic Syndromes, Hereditary; Tumor predisposition. Identifiers: Orphanet 140162, MedGen C0027672, MeSH D009386, MONDO:0015356.
Familial adenomatous polyposis 1 (FAP1). Also called: FAMILIAL ADENOMATOUS POLYPOSIS 1, ATTENUATED; POLYPOSIS, ADENOMATOUS INTESTINAL. Identifiers: MedGen C2713442, MONDO:0021056, OMIM 175100. Disease mechanism: loss of function.

Allele frequency attached by ClinVar (database versions not stated): gnomAD exomes below 0.00001.

Submissions (7):

Labcorp Genetics (formerly Invitae), Labcorp
Classification: Pathogenic for Familial adenomatous polyposis 1. Last evaluated: 2025-05-18. Review status: criteria provided, single submitter. Criteria: Invitae Variant Classification Sherloc (09022015). Collection method: clinical testing. Allele origin: germline.
Comment: This sequence change creates a premature translational stop signal (p.Tyr159*) in the APC gene. It is expected to result in an absent or disrupted protein product. Loss-of-function variants in APC are known to be pathogenic (PMID: 17963004, 20685668). This variant is not present in population databases (gnomAD no frequency). This premature translational stop signal has been observed in individual(s) with familial adenomatous polyposis (FAP) (PMID: 8956059, 20223039, 20685668). ClinVar contains an entry for this variant (Variation ID: 236607). For these reasons, this variant has been classified as Pathogenic.

Baylor Genetics
Classification: Pathogenic for Familial adenomatous polyposis 1. Last evaluated: 2023-11-18. Review status: criteria provided, single submitter. Criteria: ACMG Guidelines, 2015. Collection method: clinical testing. Allele origin: unknown.

Myriad Genetics, Inc.
Classification: Pathogenic for Familial adenomatous polyposis 1. Last evaluated: 2023-02-16. Review status: criteria provided, single submitter. Criteria: Myriad Autosomal Dominant, Autosomal Recessive and X-Linked Classification Criteria (2023). Collection method: clinical testing. Allele origin: unknown.
Comment: This variant is considered pathogenic. This variant creates a termination codon and is predicted to result in premature protein truncation.

GeneDx
Classification: Pathogenic. Last evaluated: 2023-01-25. Review status: criteria provided, single submitter. Criteria: GeneDx Variant Classification Process June 2021. Collection method: clinical testing. Allele origin: germline. Affected: yes.
Comment: Nonsense variant predicted to result in protein truncation or nonsense mediated decay in a gene for which loss of function is a known mechanism of disease; Not observed at significant frequency in large population cohorts (gnomAD); This variant is associated with the following publications: (PMID: 28944238, 20223039, 15951963, 20685668, 23159591, 27623068, 8956059)

Ambry Genetics
Classification: Pathogenic for Hereditary cancer-predisposing syndrome. Last evaluated: 2023-01-20. Review status: criteria provided, single submitter. Criteria: Ambry Variant Classification Scheme 2023. Collection method: clinical testing. Allele origin: germline.
Comment: The c.476dupA pathogenic mutation, located in coding exon 4 of the APC gene, results from a duplication of A at nucleotide position 476, causing a translational frameshift with a predicted alternate stop codon (p.Y159*). This variant was identified in 1/863 colonic polyposis patients from a French cohort (Lagarde A et al. J Med Genet, 2010 Oct;47:721-2). In addition to the clinical data presented in the literature, this alteration is expected to result in loss of function by premature protein truncation or nonsense-mediated mRNA decay. As such, this alteration is interpreted as a disease-causing mutation.

Mayo Clinic Laboratories, Mayo Clinic
Classification: Pathogenic. Last evaluated: 2020-12-18. Review status: criteria provided, single submitter. Criteria: ACMG Guidelines, 2015. Collection method: clinical testing. Allele origin: germline. Observed: 1 variant allele.
Comment: PVS1, PM2, PP4

Counsyl
Classification: Likely pathogenic for Familial adenomatous polyposis 1. Last evaluated: 2016-03-01. Review status: no assertion criteria provided. Collection method: clinical testing. Allele origin: unknown. Not counted in ClinVar's aggregate classification.

Literature cited by the submitters: PubMed 17963004 (cited by Labcorp Genetics (formerly Invitae), Labcorp); PubMed 20685668 (cited by 3 submitters); PubMed 8956059 (cited by Labcorp Genetics (formerly Invitae), Labcorp and Mayo Clinic Laboratories, Mayo Clinic); PubMed 20223039 (cited by Labcorp Genetics (formerly Invitae), Labcorp and Mayo Clinic Laboratories, Mayo Clinic); PubMed 15951963 (cited by Mayo Clinic Laboratories, Mayo Clinic); PubMed 23159591 (cited by Counsyl).

NM_000038.6(APC):c.476dup (p.Tyr159Ter)

Gene: APC (APC regulator of Wnt signaling pathway; plus strand). Cytogenetic location: 5q22.2.
Variant type: Duplication.
Coding change: c.476dup on transcript NM_000038.6 (MANE Select); coding-DNA position 476, one base duplicated (A; older notation c.476dupA).
Protein change: p.Tyr159Ter; replaces tyrosine 159 with a stop codon.
Molecular consequence: nonsense. On other transcripts: 5 prime UTR variant (1).
Genome position (GRCh38, 1-based): chr5:112,775,682, A duplicated. VCF-style (leftmost placement, unchanged base first): chr5-112775681-T-TA. GRCh37 (hg19) VCF-style: chr5-112111378-T-TA.
Other names: c.476dup (NM_000038.5); c.476dup, p.Tyr159Ter (NM_001127510.3, NM_001354895.2, NM_001354896.2 and 2 more transcripts); c.506dup, p.Tyr169Ter (NM_001127511.3, NM_001354897.2, NM_001354902.2); c.401dup, p.Tyr134Ter (NM_001354898.2, NM_001354904.2); c.299dup, p.Tyr100Ter (NM_001354900.2, NM_001354901.2, NM_001354905.2); c.-560dup (NM_001354906.2); short protein forms Y159*, Y100*, Y169*, Y134*.
Identifiers: ClinVar variation 236607 (VCV000236607.57), dbSNP rs878853451, ClinGen allele CA10582277.